The following is an entry in ClinVar:

ClinVar aggregate classification (germline): Uncertain significance. Review status: criteria provided, multiple submitters, no conflicts (2 of 4 stars). 2 submissions from 2 submitters: Uncertain significance (2). Last evaluated 2026-08-27.

Conditions:
Cardiovascular phenotype. Identifiers: MedGen CN230736.
Hypertrophic cardiomyopathy 26. Also called: Cardiomyopathy, familial hypertrophic, 26. Identifiers: Orphanet 75249, MedGen C4310749, MONDO:0014883, OMIM 617047.
Myofibrillar myopathy 5. Also called: Filaminopathy (type); FILAMINOPATHY, AUTOSOMAL DOMINANT. Identifiers: Orphanet 171445, MedGen C1836050, MONDO:0012289, OMIM 609524.
Distal myopathy with posterior leg and anterior hand involvement. Also called: WILLIAMS DISTAL MYOPATHY. Identifiers: Orphanet 63273, MedGen C3279722, MONDO:0013550, OMIM 614065.

gnomAD v4.1: 1 of 1,613,008 alleles (0.000062%); highest among the groups gnomAD compares: Non-Finnish European, 0.000085%; no homozygotes.

Submissions (2):

Ambry Genetics
Classification: Uncertain significance for Cardiovascular phenotype. Last evaluated: 2026-08-27. Review status: criteria provided, single submitter. Criteria: Ambry Variant Classification Scheme 2023. Collection method: clinical testing. Allele origin: germline.
Comment: The c.97C>T (p.P33S) alteration is located in exon 1 (coding exon 1) of the FLNC gene. This alteration results from a C to T substitution at nucleotide position 97, causing the proline (P) at amino acid position 33 to be replaced by a serine (S). Based on data from gnomAD, the T allele has an overall frequency of <0.001% (1/248996) total alleles studied. The highest observed frequency was <0.001% (/) of alleles. Based on insufficient or conflicting evidence, the clinical significance of this alteration remains unclear.

Labcorp Genetics (formerly Invitae), Labcorp
Classification: Uncertain significance for Distal myopathy with posterior leg and anterior hand involvement; Myofibrillar myopathy 5; Hypertrophic cardiomyopathy 26. Last evaluated: 2024-04-26. Review status: criteria provided, single submitter. Criteria: Invitae Variant Classification Sherloc (09022015). Collection method: clinical testing. Allele origin: germline.
Comment: This sequence change replaces proline, which is neutral and non-polar, with serine, which is neutral and polar, at codon 33 of the FLNC protein (p.Pro33Ser). This variant is not present in population databases (gnomAD no frequency). This variant has not been reported in the literature in individuals affected with FLNC-related conditions. Advanced modeling of protein sequence and biophysical properties (such as structural, functional, and spatial information, amino acid conservation, physicochemical variation, residue mobility, and thermodynamic stability) has been performed at Invitae for this missense variant, however the output from this modeling did not meet the statistical confidence thresholds required to predict the impact of this variant on FLNC protein function. In summary, the available evidence is currently insufficient to determine the role of this variant in disease. Therefore, it has been classified as a Variant of Uncertain Significance.

NM_001458.5(FLNC):c.97C>T (p.Pro33Ser)

Gene: FLNC (filamin C; plus strand). Cytogenetic location: 7q32.1.
Variant type: single nucleotide variant.
Coding change: c.97C>T on transcript NM_001458.5 (MANE Select); coding-DNA position 97, C replaced by T.
Protein change: p.Pro33Ser; replaces proline 33 with serine.
Molecular consequence: missense variant.
Genome position (GRCh38, 1-based): chr7:128,830,734, C>T. VCF-style: chr7-128830734-C-T. GRCh37 (hg19) VCF-style: chr7-128470788-C-T.
Other names: c.97C>T, p.Pro33Ser (NM_001127487.2); short protein forms P33S.
Identifiers: ClinVar variation 3750460 (VCV003750460.3).